The following is an entry in ClinVar:

NM_001267550.2(TTN):c.26807A>G (p.Asn8936Ser)

Gene: TTN (titin; minus strand). Cytogenetic location: 2q31.2.
Variant type: single nucleotide variant.
Coding change: c.26807A>G on transcript NM_001267550.2 (MANE Select); coding-DNA position 26807, A replaced by G.
Protein change: p.Asn8936Ser; replaces asparagine 8936 with serine.
Molecular consequence: missense variant. On other transcripts: intron variant (3).
Genome position (GRCh38, 1-based): chr2:178,713,327, T>C on the plus strand (A>G on the coding strand, the complement: TTN is on the minus strand). VCF-style: chr2-178713327-T-C. GRCh37 (hg19) VCF-style: chr2-179578054-T-C.
Other names: p.Asn8619Ser; c.25856A>G, p.Asn8619Ser (NM_001256850.1); c.23075A>G, p.Asn7692Ser (NM_133378.4); c.13282+24755A>G (NM_003319.4); c.13858+24755A>G (NM_133437.4); c.13657+24755A>G (NM_133432.3); short protein forms N7692S, N8619S, N8936S.
Identifiers: ClinVar variation 4540751 (VCV004540751.1).

ClinVar aggregate classification (germline): Uncertain significance (1 of 4 stars; one submission).

Submission:

Mayo Clinic Laboratories, Mayo Clinic
Classification: Uncertain significance. Last evaluated: 2025-10-21. Review status: criteria provided, single submitter. Criteria: ACMG Guidelines, 2015. Collection method: clinical testing. Allele origin: germline. Observed: 1 variant allele.
Comment: BP4_moderate, PM2_supporting